The following is an entry in ClinVar:

ClinVar aggregate classification (germline): Uncertain significance (1 of 4 stars; one submission).

Conditions:
Hereditary cancer-predisposing syndrome. Also called: Hereditary Cancer Syndrome; Hereditary neoplastic syndrome; Neoplastic Syndromes, Hereditary; Tumor predisposition. Identifiers: Orphanet 140162, MedGen C0027672, MeSH D009386, MONDO:0015356.

gnomAD v4.1: 1 of 1,614,142 alleles (0.000062%); highest among the groups gnomAD compares: African/African-American, 0.0013%; no homozygotes.

Submission:

Labcorp Genetics (formerly Invitae), Labcorp
Classification: Uncertain significance for Hereditary cancer-predisposing syndrome. Last evaluated: 2021-07-30. Review status: criteria provided, single submitter. Criteria: Invitae Variant Classification Sherloc (09022015). Collection method: clinical testing. Allele origin: germline.
Comment: This sequence change replaces arginine with leucine at codon 1260 of the RAD50 protein (p.Arg1260Leu). The arginine residue is moderately conserved and there is a moderate physicochemical difference between arginine and leucine. In summary, the available evidence is currently insufficient to determine the role of this variant in disease. Therefore, it has been classified as a Variant of Uncertain Significance. This variant has not been reported in the literature in individuals affected with RAD50-related conditions. Algorithms developed to predict the effect of missense changes on protein structure and function are either unavailable or do not agree on the potential impact of this missense change (SIFT: "Deleterious"; PolyPhen-2: "Probably Damaging"; Align-GVGD: "Class C0"). This variant is not present in population databases (ExAC no frequency).

NM_005732.4(RAD50):c.3779G>T (p.Arg1260Leu)

Genes: RAD50 (RAD50 double strand break repair protein; plus strand), TH2LCRR (T helper type 2 locus control region associated RNA; minus strand). Cytogenetic location: 5q31.1.
Variant type: single nucleotide variant.
Coding change: c.3779G>T on transcript NM_005732.4 (MANE Select); coding-DNA position 3779, G replaced by T.
Protein change: p.Arg1260Leu; replaces arginine 1260 with leucine.
Molecular consequence: missense variant. On other transcripts: non-coding transcript variant (1).
Genome position (GRCh38, 1-based): chr5:132,642,204, G>T. VCF-style: chr5-132642204-G-T. GRCh37 (hg19) VCF-style: chr5-131977896-G-T.
Other names: short protein forms R1260L.
Identifiers: ClinVar variation 1430094 (VCV001430094.6), dbSNP rs367683141, ClinGen allele CA360935711.